The following is an entry in ClinVar:

ClinVar aggregate classification (germline): Uncertain significance (1 of 4 stars; one submission).

Conditions:
Hereditary cancer-predisposing syndrome. Also called: Hereditary neoplastic syndrome; Hereditary Cancer Syndrome; Neoplastic Syndromes, Hereditary; Tumor predisposition. Identifiers: Orphanet 140162, MedGen C0027672, MeSH D009386, MONDO:0015356.

Submission:

Ambry Genetics
Classification: Uncertain significance for Hereditary cancer-predisposing syndrome. Last evaluated: 2023-04-08. Review status: criteria provided, single submitter. Criteria: Ambry Variant Classification Scheme 2023. Collection method: clinical testing. Allele origin: germline.
Comment: The p.S2842T variant (also known as c.8524T>A), located in coding exon 15 of the APC gene, results from a T to A substitution at nucleotide position 8524. The serine at codon 2842 is replaced by threonine, an amino acid with similar properties. This amino acid position is conserved. In addition, in silico predictors for this gene do not accurately predict pathogenicity. Since supporting evidence is limited at this time, the clinical significance of this alteration remains unclear.

NM_000038.6(APC):c.8524T>A (p.Ser2842Thr)

Gene: APC (APC regulator of Wnt signaling pathway; plus strand). Cytogenetic location: 5q22.2.
Variant type: single nucleotide variant.
Coding change: c.8524T>A on transcript NM_000038.6 (MANE Select); coding-DNA position 8524, T replaced by A.
Protein change: p.Ser2842Thr; replaces serine 2842 with threonine.
Molecular consequence: missense variant. On other transcripts: non-coding transcript variant (2).
Genome position (GRCh38, 1-based): chr5:112,844,118, T>A. VCF-style: chr5-112844118-T-A. GRCh37 (hg19) VCF-style: chr5-112179815-T-A.
Other names: c.8524T>A, p.Ser2842Thr (NM_001127510.3, NM_001354895.2, NM_001407450.1); c.8470T>A, p.Ser2824Thr (NM_001127511.3); c.8578T>A, p.Ser2860Thr (NM_001354896.2, NM_001407447.1, NM_001407448.1 and 1 more transcripts); c.8554T>A, p.Ser2852Thr (NM_001354897.2); c.8449T>A, p.Ser2817Thr (NM_001354898.2); c.8440T>A, p.Ser2814Thr (NM_001354899.2); c.8401T>A, p.Ser2801Thr (NM_001354900.2); c.8347T>A, p.Ser2783Thr (NM_001354901.2, NM_001407453.1); and 11 more; short protein forms S2559T, S2759T, S2817T, S2842T, S2860T, S2751T, S2801T, S2814T.
Identifiers: ClinVar variation 2566960 (VCV002566960.2), dbSNP rs587780610, ClinGen allele CA16039815.